The following is an entry in ClinVar:

ClinVar aggregate classification (germline): Uncertain significance. Review status: criteria provided, multiple submitters, no conflicts (2 of 4 stars). 2 submissions from 2 submitters: Uncertain significance (2). Last evaluated 2024-01-08.

Conditions:
Fetal akinesia-cerebral and retinal hemorrhage syndrome. Also called: MYOPATHY, CENTRONUCLEAR, LETHAL, AUTOSOMAL RECESSIVE; Lethal congenital contracture syndrome 5. Identifiers: Orphanet 363409, MedGen C4706410, MONDO:0014149, OMIM 615368.
Charcot-Marie-Tooth disease dominant intermediate B (CMTDIB). Also called: Charcot-Marie-Tooth disease dominant intermediate 1; CMT DI1; Charcot-Marie-Tooth disease dominant intermediate I; CHARCOT-MARIE-TOOTH NEUROPATHY, DOMINANT INTERMEDIATE B. Identifiers: Orphanet 100044, Orphanet 228179, MedGen C1847902, MONDO:0011674, OMIM 606482.

Allele frequency attached by ClinVar (database versions not stated): gnomAD 0.00001; gnomAD exomes 0.00001 and 0.00002; ExAC 0.00002.
gnomAD v4.1: 12 of 1,614,072 alleles (0.00074%); highest among the groups gnomAD compares: Admixed American, 0.0033%; no homozygotes.

Submissions (2):

Labcorp Genetics (formerly Invitae), Labcorp
Classification: Uncertain significance for Charcot-Marie-Tooth disease dominant intermediate B. Last evaluated: 2024-01-08. Review status: criteria provided, single submitter. Criteria: Invitae Variant Classification Sherloc (09022015). Collection method: clinical testing. Allele origin: germline.
Comment: This sequence change replaces arginine, which is basic and polar, with lysine, which is basic and polar, at codon 107 of the DNM2 protein (p.Arg107Lys). This variant is present in population databases (rs761564812, gnomAD 0.003%). This variant has not been reported in the literature in individuals affected with DNM2-related conditions. ClinVar contains an entry for this variant (Variation ID: 1403421). Advanced modeling of protein sequence and biophysical properties (such as structural, functional, and spatial information, amino acid conservation, physicochemical variation, residue mobility, and thermodynamic stability) has been performed at Invitae for this missense variant, however the output from this modeling did not meet the statistical confidence thresholds required to predict the impact of this variant on DNM2 protein function. In summary, the available evidence is currently insufficient to determine the role of this variant in disease. Therefore, it has been classified as a Variant of Uncertain Significance.

Juno Genomics, Hangzhou Juno Genomics, Inc
Classification: Uncertain significance for Fetal akinesia-cerebral and retinal hemorrhage syndrome. Review status: criteria provided, single submitter. Criteria: ACMG Guidelines, 2015. Collection method: clinical testing. Allele origin: germline.
Comment: Absent from controls (or at extremely low frequency if recessive) in Genome Aggregation Database.;Multiple lines of computational evidence support a deleterious effect on the gene or gene product.;Missense variant in a gene that has a low rate of benign missense variation.

NM_001005361.3(DNM2):c.320G>A (p.Arg107Lys)

Gene: DNM2 (dynamin 2; plus strand). Cytogenetic location: 19p13.2.
Variant type: single nucleotide variant.
Coding change: c.320G>A on transcript NM_001005361.3 (MANE Select); coding-DNA position 320, G replaced by A.
Protein change: p.Arg107Lys; replaces arginine 107 with lysine.
Molecular consequence: missense variant.
Genome position (GRCh38, 1-based): chr19:10,772,563, G>A. VCF-style: chr19-10772563-G-A. GRCh37 (hg19) VCF-style: chr19-10883239-G-A.
Other names: c.320G>A, p.Arg107Lys (NM_001005360.3, NM_001005362.3, NM_001190716.2 and 1 more transcripts); short protein forms R107K.
Identifiers: ClinVar variation 1403421 (VCV001403421.8), dbSNP rs761564812, ClinGen allele CA9200761.